The following is an entry in ClinVar:

ClinVar aggregate classification (germline): Uncertain significance (1 of 4 stars; one submission).

Conditions:
Myofibrillar myopathy 4. Also called: Zaspopathy (type). Identifiers: Orphanet 98912, MedGen C4721886, MONDO:0012277, OMIM 609452.

Submission:

Labcorp Genetics (formerly Invitae), Labcorp
Classification: Uncertain significance for Myofibrillar myopathy 4. Last evaluated: 2022-12-20. Review status: criteria provided, single submitter. Criteria: Invitae Variant Classification Sherloc (09022015). Collection method: clinical testing. Allele origin: germline.
Comment: The LDB3 gene has multiple clinically relevant transcripts. This variant occurs in alternate transcript NM_007078.3, and corresponds to NM_001080116.1:c.*17397G>T in the primary transcript. This sequence change replaces arginine, which is basic and polar, with leucine, which is neutral and non-polar, at codon 559 of the LDB3 protein (p.Arg559Leu). This variant also falls at the last nucleotide of exon 10, which is part of the consensus splice site for this exon. In summary, the available evidence is currently insufficient to determine the role of this variant in disease. Therefore, it has been classified as a Variant of Uncertain Significance. Variants that disrupt the consensus splice site are a relatively common cause of aberrant splicing (PMID: 17576681, 9536098). This variant has not been reported in the literature in individuals affected with LDB3-related conditions. This variant is not present in population databases (gnomAD no frequency).

Literature cited by the submitters: PubMed 17576681; PubMed 9536098.

NM_007078.3(LDB3):c.1676G>T (p.Arg559Leu)

Gene: LDB3 (LIM domain binding 3; plus strand). Cytogenetic location: 10q23.2.
Variant type: single nucleotide variant.
Coding change: c.1676G>T on transcript NM_007078.3 (MANE Select); coding-DNA position 1676, G replaced by T.
Protein change: p.Arg559Leu; replaces arginine 559 with leucine.
Molecular consequence: missense variant.
Genome position (GRCh38, 1-based): chr10:86,716,771, G>T. VCF-style: chr10-86716771-G-T. GRCh37 (hg19) VCF-style: chr10-88476528-G-T.
Other names: c.1346G>T, p.Arg449Leu (NM_001080114.2); c.1691G>T, p.Arg564Leu (NM_001171610.2); c.1487G>T, p.Arg496Leu (NM_001368064.1, NM_001368065.1); c.1535G>T, p.Arg512Leu (NM_001368066.1); short protein forms R564L, R449L, R512L, R559L, R496L.
Identifiers: ClinVar variation 2971350 (VCV002971350.3), dbSNP rs763908636, ClinGen allele CA377451741.